The following is an entry in ClinVar:

ClinVar aggregate classification (germline): Uncertain significance. Review status: criteria provided, multiple submitters, no conflicts (2 of 4 stars). 2 submissions from 2 submitters: Uncertain significance (2). Last evaluated 2024-03-18.

Submissions (2):

Blueprint Genetics
Classification: Uncertain significance. Last evaluated: 2024-03-18. Review status: criteria provided, single submitter. Criteria: ACMG Guidelines, 2015. Collection method: clinical testing. Allele origin: germline.

Women's Health and Genetics/Laboratory Corporation of America, LabCorp
Classification: Uncertain significance. Last evaluated: 2023-12-12. Review status: criteria provided, single submitter. Criteria: LabCorp Variant Classification Summary - May 2015. Collection method: clinical testing. Allele origin: germline.
Comment: Variant summary: TCTN2 c.2053delC (p.Leu685SerfsX33) causes a frameshift which results in an extension of the protein. The frequency data for this variant in gnomAD is considered unreliable, as metrics indicate poor data quality at this position. To our knowledge, no occurrence of c.2053delC in individuals affected with Joubert Syndrome And Related Disorders and no experimental evidence demonstrating its impact on protein function have been reported. To our knowledge, no downstream variants or other protein extensions in this region of the gene have been reported to be pathogenic. No submitters have cited clinical-significance assessments for this variant to ClinVar after 2014. Based on the evidence outlined above, the variant was classified as uncertain significance.

NM_024809.5(TCTN2):c.2053del (p.Leu685fs)

Gene: TCTN2 (tectonic family member 2; plus strand). Cytogenetic location: 12q24.31.
Variant type: Deletion.
Coding change: c.2053del on transcript NM_024809.5 (MANE Select); coding-DNA position 2053, one base deleted (C; older notation c.2053delC).
Protein change: p.Leu685fs; shifts the reading frame from leucine 685.
Molecular consequence: frameshift variant.
Genome position (GRCh38, 1-based): chr12:123,707,672, C deleted; the last of 2 consecutive C bases (chr12:123,707,671-123,707,672); deleting either gives the same sequence. VCF-style (leftmost placement, unchanged base first): chr12-123707670-TC-T. GRCh37 (hg19) VCF-style: chr12-124192217-TC-T.
Other names: c.2050del, p.Leu684fs (NM_001143850.3); c.1918del, p.Leu640fs (NM_001410989.1); c.2053delC (NM_024809.5); short protein forms L640fs, L684fs, L685fs.
Identifiers: ClinVar variation 2691646 (VCV002691646.2), dbSNP rs1956247149, ClinGen allele CA482267302.